The following is an entry in ClinVar:

NM_000287.4(PEX6):c.1357C>T (p.Leu453Phe)

Gene: PEX6 (peroxisomal biogenesis factor 6; minus strand). Cytogenetic location: 6p21.1.
Variant type: single nucleotide variant.
Coding change: c.1357C>T on transcript NM_000287.4 (MANE Select); coding-DNA position 1357, C replaced by T.
Protein change: p.Leu453Phe; replaces leucine 453 with phenylalanine.
Molecular consequence: missense variant. On other transcripts: non-coding transcript variant (1).
Genome position (GRCh38, 1-based): chr6:42,969,678, G>A on the plus strand (C>T on the coding strand, the complement: PEX6 is on the minus strand). VCF-style: chr6-42969678-G-A. GRCh37 (hg19) VCF-style: chr6-42937416-G-A.
Other names: c.1093C>T, p.Leu365Phe (NM_001316313.2); short protein forms L365F, L453F.
Identifiers: ClinVar variation 1037754 (VCV001037754.7), dbSNP rs1769988827, ClinGen allele CA364155569.

ClinVar aggregate classification (germline): Uncertain significance (1 of 4 stars; one submission).

Conditions:
Peroxisome biogenesis disorder. Identifiers: Orphanet 79189, MedGen C1832200, MONDO:0019234. Disease mechanism: loss of function.

Submission:

Labcorp Genetics (formerly Invitae), Labcorp
Classification: Uncertain significance for Peroxisome biogenesis disorder. Last evaluated: 2020-10-21. Review status: criteria provided, single submitter. Criteria: Invitae Variant Classification Sherloc (09022015). Collection method: clinical testing. Allele origin: germline.
Comment: This sequence change replaces leucine with phenylalanine at codon 453 of the PEX6 protein (p.Leu453Phe). The leucine residue is highly conserved and there is a small physicochemical difference between leucine and phenylalanine. In summary, the available evidence is currently insufficient to determine the role of this variant in disease. Therefore, it has been classified as a Variant of Uncertain Significance. Algorithms developed to predict the effect of missense changes on protein structure and function are either unavailable or do not agree on the potential impact of this missense change (SIFT: "Tolerated"; PolyPhen-2: "Possibly Damaging"; Align-GVGD: "Class C0"). This variant has not been reported in the literature in individuals with PEX6-related conditions. This variant is not present in population databases (ExAC no frequency).